The following is an entry in ClinVar:

NM_001927.4(DES):c.328G>C (p.Val110Leu)

Gene: DES (desmin; plus strand). Cytogenetic location: 2q35.
Variant type: single nucleotide variant.
Coding change: c.328G>C on transcript NM_001927.4 (MANE Select); coding-DNA position 328, G replaced by C.
Protein change: p.Val110Leu; replaces valine 110 with leucine.
Molecular consequence: missense variant.
Genome position (GRCh38, 1-based): chr2:219,418,790, G>C. VCF-style: chr2-219418790-G-C. GRCh37 (hg19) VCF-style: chr2-220283512-G-C.
Other names: c.328G>C (LRG_380t1); short protein forms V110L.
Identifiers: ClinVar variation 421688 (VCV000421688.15), dbSNP rs373081285, ClinGen allele CA2125052.
Genomic context (GRCh38, chr2:219,418,790, plus strand): 5'-GACTTCTCACTGGCCGACGCGGTGAACCAGGAGTTTCTGACCACGCGCACCAACGAGAAG[G>C]TGGAGCTGCAGGAGCTCAATGACCGCTTCGCCAACTACATCGAGAAGGTGCGCTTCCTGG-3'
Protein context (NP_001918.3, residues 100-120): EFLTTRTNEK[Val110Leu]ELQELNDRFA

ClinVar aggregate classification (germline): Uncertain significance. Review status: criteria provided, multiple submitters, no conflicts (2 of 4 stars). 3 submissions from 3 submitters: Uncertain significance (3). Last evaluated 2025-11-13.

Conditions:
Cardiovascular phenotype. Identifiers: MedGen CN230736.
Desmin-related myofibrillar myopathy (MFM1). Also called: Desmin related myopathy (former name); Desmin storage myopathy (former name); MYOFIBRILLAR MYOPATHY WITH ARRHYTHMOGENIC RIGHT VENTRICULAR CARDIOMYOPATHY; DESMIN-RELATED MYOPATHY WITH ARRHYTHMOGENIC RIGHT VENTRICULAR CARDIOMYOPATHY; Myofibrillar myopathy 1; Desminopathy. Identifiers: Orphanet 363543, Orphanet 98909, MedGen C1832370, MONDO:0011076, OMIM 601419.

Allele frequency attached by ClinVar (database versions not stated): ExAC below 0.00001; gnomAD 0.00001; TOPMed 0.00003; ESP Exome Variant Server 0.00008.

Submissions (3):

Labcorp Genetics (formerly Invitae), Labcorp
Classification: Uncertain significance for Desmin-related myofibrillar myopathy. Last evaluated: 2025-11-13. Review status: criteria provided, single submitter. Criteria: Invitae Variant Classification Sherloc (09022015). Collection method: clinical testing. Allele origin: germline.
Comment: This sequence change replaces valine, which is neutral and non-polar, with leucine, which is neutral and non-polar, at codon 110 of the DES protein (p.Val110Leu). This variant is not present in population databases (gnomAD no frequency). This variant has not been reported in the literature in individuals affected with DES-related conditions. ClinVar contains an entry for this variant (Variation ID: 421688). Invitae Evidence Modeling of protein sequence and biophysical properties (such as structural, functional, and spatial information, amino acid conservation, physicochemical variation, residue mobility, and thermodynamic stability) has been performed for this missense variant. However, the output from this modeling did not meet the statistical confidence thresholds required to predict the impact of this variant on DES protein function. In summary, the available evidence is currently insufficient to determine the role of this variant in disease. Therefore, it has been classified as a Variant of Uncertain Significance.

Ambry Genetics
Classification: Uncertain significance for Cardiovascular phenotype. Last evaluated: 2023-10-20. Review status: criteria provided, single submitter. Criteria: Ambry Variant Classification Scheme 2023. Collection method: clinical testing. Allele origin: germline.
Comment: The p.V110L variant (also known as c.328G>C), located in coding exon 1 of the DES gene, results from a G to C substitution at nucleotide position 328. The valine at codon 110 is replaced by leucine, an amino acid with highly similar properties. This amino acid position is well conserved in available vertebrate species. In addition, the in silico prediction for this alteration is inconclusive. Since supporting evidence is limited at this time, the clinical significance of this alteration remains unclear.

GeneDx
Classification: Uncertain significance. Last evaluated: 2019-12-09. Review status: criteria provided, single submitter. Criteria: GeneDx Variant Classification Process June 2021. Collection method: clinical testing. Allele origin: germline. Affected: yes.
Comment: Has not been previously published as pathogenic or benign to our knowledge; No data available from control populations to assess the frequency of this variant; In silico analysis, which includes protein predictors and evolutionary conservation, supports that this variant does not alter protein structure/function; Not observed at a significant frequency in large population cohorts (Lek et al., 2016)